The following is an entry in ClinVar:

ClinVar aggregate classification (germline): Likely benign (1 of 4 stars; one submission).

Allele frequency attached by ClinVar (database versions not stated): gnomAD exomes 0.00010; ExAC 0.00014; gnomAD 0.00025; 1000 Genomes Project 0.00080; 1000 Genomes Project 30x 0.00156.
gnomAD v4.1: 217 of 1,558,028 alleles (0.014%); highest among the groups gnomAD compares: East Asian, 0.39%; no homozygotes.

Submission:

CeGaT Center for Human Genetics Tuebingen
Classification: Likely benign. Last evaluated: 2026-04-01. Review status: criteria provided, single submitter. Criteria: CeGaT Center For Human Genetics Tuebingen Variant Classification Criteria Version 2. Collection method: clinical testing. Allele origin: germline. Affected: yes. Observed: 2 variant alleles.
Comment: MUC5B: BP4, BP7

NM_002458.3(MUC5B):c.10179G>A (p.Thr3393=)

Genes: MUC5B (mucin 5B, oligomeric mucus/gel-forming; plus strand), MUC5B-AS1 (MUC5B antisense RNA 1; minus strand). Cytogenetic location: 11p15.5.
Variant type: single nucleotide variant.
Coding change: c.10179G>A on transcript NM_002458.3 (MANE Select); coding-DNA position 10179, G replaced by A.
Protein change: p.Thr3393=; no amino-acid change (threonine 3393 retained).
Molecular consequence: synonymous variant.
Genome position (GRCh38, 1-based): chr11:1,247,059, G>A. VCF-style: chr11-1247059-G-A. GRCh37 (hg19) VCF-style: chr11-1268289-G-A.
Identifiers: ClinVar variation 2641264 (VCV002641264.24), dbSNP rs372677425, ClinGen allele CA5807252.